The following is an entry in ClinVar:

NM_000075.4(CDK4):c.63C>T (p.Tyr21=)

Gene: CDK4 (cyclin dependent kinase 4; minus strand). Cytogenetic location: 12q14.1.
Variant type: single nucleotide variant.
Coding change: c.63C>T on transcript NM_000075.4 (MANE Select); coding-DNA position 63, C replaced by T.
Protein change: p.Tyr21=; no amino-acid change (tyrosine 21 retained).
Molecular consequence: synonymous variant.
Genome position (GRCh38, 1-based): chr12:57,751,655, G>A on the plus strand (C>T on the coding strand, the complement: CDK4 is on the minus strand). VCF-style: chr12-57751655-G-A. GRCh37 (hg19) VCF-style: chr12-58145438-G-A.
Identifiers: ClinVar variation 1753311 (VCV001753311.4), dbSNP rs2140388619, ClinGen allele CA480404916.

ClinVar aggregate classification (germline): Conflicting classifications of pathogenicity. Review status: criteria provided, conflicting classifications (1 of 4 stars). 2 submissions from 2 submitters: Uncertain significance (1); Benign (1). Last evaluated 2025-04-02.

Conditions:
Hereditary cancer-predisposing syndrome. Also called: Neoplastic Syndromes, Hereditary; Tumor predisposition; Hereditary Cancer Syndrome; Hereditary neoplastic syndrome. Identifiers: Orphanet 140162, MedGen C0027672, MeSH D009386, MONDO:0015356.
Melanoma, cutaneous malignant, susceptibility to, 3. Also called: Cutaneous malignant melanoma 3. Identifiers: Orphanet 618, MedGen C1836892, MONDO:0012183, OMIM 609048.

Allele frequency attached by ClinVar (database versions not stated): gnomAD exomes below 0.00001.

Submissions (2):

Ambry Genetics
Classification: Uncertain significance for Hereditary cancer-predisposing syndrome. Last evaluated: 2025-04-02. Review status: criteria provided, single submitter. Criteria: Ambry Variant Classification Scheme 2023. Collection method: clinical testing. Allele origin: germline.
Comment: The c.63C>T variant (also known as p.Y21Y), located in coding exon 1 of the CDK4 gene, results from a C to T substitution at nucleotide position 63. This nucleotide substitution does not change the tyrosine at codon 21. This nucleotide position is well conserved in available vertebrate species. In silico splice site analysis for this alteration is inconclusive. Since supporting evidence is limited at this time, the clinical significance of this alteration remains unclear.

Myriad Genetics, Inc.
Classification: Benign for Melanoma, cutaneous malignant, susceptibility to, 3. Last evaluated: 2024-09-24. Review status: criteria provided, single submitter. Criteria: Myriad Autosomal Dominant, Autosomal Recessive and X-Linked Classification Criteria (2023). Collection method: clinical testing. Allele origin: unknown.
Comment: This variant is considered benign. This variant is a silent/synonymous amino acid change and it is not expected to impact splicing.